The following is an entry in ClinVar:

NM_003238.6(TGFB2):c.839_841del (p.His280del)

Gene: TGFB2 (transforming growth factor beta 2; plus strand). Cytogenetic location: 1q41.
Variant type: Deletion.
Coding change: c.839_841del on transcript NM_003238.6 (MANE Select); coding-DNA positions 839 to 841, 3 bases deleted (ATC; older notation c.839_841delATC).
Protein change: p.His280del; deletes histidine 280.
Molecular consequence: inframe deletion.
Genome position (GRCh38, 1-based): chr1:218,436,054-218,436,056, ATC deleted; deleting any 3 consecutive bases within chr1:218,436,053-218,436,056 gives the same sequence; the c. name uses the placement nearest the transcript's 3' end. VCF-style (leftmost placement, unchanged base first): chr1-218436052-ACAT-A. GRCh37 (hg19) VCF-style: chr1-218609394-ACAT-A.
Other names: c.923_925del, p.His308del (NM_001135599.4); short protein forms H280del, H308del.
Identifiers: ClinVar variation 1302236 (VCV001302236.2), dbSNP rs2102628559, ClinGen allele CA2573051493.
Genomic context (GRCh38, chr1:218,436,052, plus strand): 5'-TACCAGTGGTGATCAGAAAACTATAAAGTCCACTAGGAAAAAAAACAGTGGGAAGACCCC[ACAT>A]CTCCTGCTAATGTTATTGCCCTCCTACAGACTTGAGTCACAACAGACCAACCGGCGGAAG-3'

ClinVar aggregate classification (germline): Uncertain significance (1 of 4 stars; one submission).

Submission:

GeneDx
Classification: Uncertain significance. Last evaluated: 2019-06-18. Review status: criteria provided, single submitter. Criteria: GeneDx Variant Classification Process June 2021. Collection method: clinical testing. Allele origin: germline. Affected: yes.
Comment: Has not been previously published as pathogenic or benign to our knowledge; Not observed in large population cohorts (Lek et al., 2016); In silico analysis, which includes protein predictors and evolutionary conservation, supports a deleterious effect